The following is an entry in ClinVar:

NM_003816.3(ADAM9):c.1778C>T (p.Thr593Met)

Gene: ADAM9 (ADAM metallopeptidase domain 9; plus strand). Cytogenetic location: 8p11.22.
Variant type: single nucleotide variant.
Coding change: c.1778C>T on transcript NM_003816.3 (MANE Select); coding-DNA position 1778, C replaced by T.
Protein change: p.Thr593Met; replaces threonine 593 with methionine.
Molecular consequence: missense variant. On other transcripts: non-coding transcript variant (3).
Genome position (GRCh38, 1-based): chr8:39,077,308, C>T. VCF-style: chr8-39077308-C-T. GRCh37 (hg19) VCF-style: chr8-38934827-C-T.
Other names: short protein forms T593M.
Identifiers: ClinVar variation 1446498 (VCV001446498.3), dbSNP rs764991854, ClinGen allele CA4721720.

ClinVar aggregate classification (germline): Uncertain significance (1 of 4 stars; one submission).

Allele frequency attached by ClinVar (database versions not stated): gnomAD exomes below 0.00001 and 0.00001; TOPMed below 0.00001; ExAC 0.00001; gnomAD 0.00001.
gnomAD v4.1: 17 of 1,613,950 alleles (0.0011%); highest among the groups gnomAD compares: East Asian, 0.0045%; no homozygotes.

Submission:

Labcorp Genetics (formerly Invitae), Labcorp
Classification: Uncertain significance. Last evaluated: 2021-12-06. Review status: criteria provided, single submitter. Criteria: Invitae Variant Classification Sherloc (09022015). Collection method: clinical testing. Allele origin: germline.
Comment: This sequence change replaces threonine, which is neutral and polar, with methionine, which is neutral and non-polar, at codon 593 of the ADAM9 protein (p.Thr593Met). This variant is present in population databases (rs764991854, gnomAD 0.0009%). This variant has not been reported in the literature in individuals affected with ADAM9-related conditions. Algorithms developed to predict the effect of missense changes on protein structure and function (SIFT, PolyPhen-2, Align-GVGD) all suggest that this variant is likely to be disruptive. In summary, the available evidence is currently insufficient to determine the role of this variant in disease. Therefore, it has been classified as a Variant of Uncertain Significance.